The following is an entry in ClinVar:

NM_006361.6(HOXB13):c.361C>G (p.Pro121Ala)

Gene: HOXB13 (homeobox B13; minus strand). Cytogenetic location: 17q21.32.
Variant type: single nucleotide variant.
Coding change: c.361C>G on transcript NM_006361.6 (MANE Select); coding-DNA position 361, C replaced by G.
Protein change: p.Pro121Ala; replaces proline 121 with alanine.
Molecular consequence: missense variant.
Genome position (GRCh38, 1-based): chr17:48,728,233, G>C on the plus strand (C>G on the coding strand, the complement: HOXB13 is on the minus strand). VCF-style: chr17-48728233-G-C. GRCh37 (hg19) VCF-style: chr17-46805595-G-C.
Other names: short protein forms P121A.
Identifiers: ClinVar variation 483490 (VCV000483490.19), dbSNP rs766909225, ClinGen allele CA8633999.

ClinVar aggregate classification (germline): Uncertain significance. Review status: criteria provided, multiple submitters, no conflicts (2 of 4 stars). 4 submissions from 4 submitters: Uncertain significance (4). Last evaluated 2026-03-22.

Conditions:
HOXB13-related disorder. Also called: HOXB13-related disorders; HOXB13-related condition.
Hereditary cancer-predisposing syndrome. Also called: Neoplastic Syndromes, Hereditary; Hereditary Cancer Syndrome; Tumor predisposition; Hereditary neoplastic syndrome. Identifiers: Orphanet 140162, MedGen C0027672, MeSH D009386, MONDO:0015356.

Allele frequency attached by ClinVar (database versions not stated): gnomAD exomes 0.00003; TOPMed 0.00003; ExAC 0.00004; gnomAD 0.00010.
gnomAD v4.1: 107 of 1,614,092 alleles (0.0066%); highest among the groups gnomAD compares: Non-Finnish European, 0.0089%; no homozygotes.

Submissions (4):

PreventionGenetics, part of Exact Sciences
Classification: Uncertain significance for HOXB13-related condition. Last evaluated: 2026-03-22. Review status: criteria provided, single submitter. Criteria: ACMG Guidelines, 2015. Collection method: clinical testing. Allele origin: germline.
Comment: The HOXB13 c.361C>G variant is predicted to result in the amino acid substitution p.Pro121Ala. To our knowledge, this variant has not been reported in the literature. This variant is reported in 0.0077% of alleles in individuals of European (Non-Finnish) descent in gnomAD and is interpreted as uncertain in ClinVar (Variation ID: 483490). At this time, the clinical significance of this variant is uncertain due to the absence of conclusive functional and genetic evidence.

Labcorp Genetics (formerly Invitae), Labcorp
Classification: Uncertain significance. Last evaluated: 2025-12-09. Review status: criteria provided, single submitter. Criteria: Invitae Variant Classification Sherloc (09022015). Collection method: clinical testing. Allele origin: germline.
Comment: This sequence change replaces proline, which is neutral and non-polar, with alanine, which is neutral and non-polar, at codon 121 of the HOXB13 protein (p.Pro121Ala). This variant is present in population databases (rs766909225, gnomAD 0.008%). This variant has not been reported in the literature in individuals affected with HOXB13-related conditions. ClinVar contains an entry for this variant (Variation ID: 483490). Invitae Evidence Modeling of protein sequence and biophysical properties (such as structural, functional, and spatial information, amino acid conservation, physicochemical variation, residue mobility, and thermodynamic stability) indicates that this missense variant is not expected to disrupt HOXB13 protein function with a negative predictive value of 80%. In summary, the available evidence is currently insufficient to determine the role of this variant in disease. Therefore, it has been classified as a Variant of Uncertain Significance.

Ambry Genetics
Classification: Uncertain significance for Hereditary cancer-predisposing syndrome. Last evaluated: 2025-10-05. Review status: criteria provided, single submitter. Criteria: Ambry Variant Classification Scheme 2023. Collection method: clinical testing. Allele origin: germline.
Comment: The p.P121A variant (also known as c.361C>G), located in coding exon 1 of the HOXB13 gene, results from a C to G substitution at nucleotide position 361. The proline at codon 121 is replaced by alanine, an amino acid with highly similar properties. This amino acid position is not well conserved in available vertebrate species. In addition, this alteration is predicted to be tolerated by in silico analysis. Since supporting evidence is limited at this time, the clinical significance of this alteration remains unclear.

GeneDx
Classification: Uncertain significance. Last evaluated: 2024-04-09. Review status: criteria provided, single submitter. Criteria: GeneDx Variant Classification Process June 2021. Collection method: clinical testing. Allele origin: germline.
Comment: In silico analysis indicates that this missense variant does not alter protein structure/function; Has not been previously published as pathogenic or benign to our knowledge; This variant is associated with the following publications: (PMID: 28272408)